The following is an entry in ClinVar:

NC_000001.10:g.(?_216166342)_(216260182_?)del

Gene: USH2A (usherin; minus strand). Cytogenetic location: 1q41.
Variant type: Deletion.
Identifiers: ClinVar variation 2427738 (VCV002427738.3).

ClinVar aggregate classification (germline): Pathogenic (1 of 4 stars; one submission).

Submission:

Labcorp Genetics (formerly Invitae), Labcorp
Classification: Pathogenic. Last evaluated: 2022-02-20. Review status: criteria provided, single submitter. Criteria: Invitae Variant Classification Sherloc (09022015). Collection method: clinical testing. Allele origin: germline.
Comment: For these reasons, this variant has been classified as Pathogenic. This variant disrupts a region of the USH2A protein in which other variant(s) (p.Gly1671Val) have been determined to be pathogenic (Invitae). This suggests that this is a clinically significant region of the protein, and that variants that disrupt it are likely to be disease-causing. This variant has not been reported in the literature in individuals affected with USH2A-related conditions. This variant is a gross deletion of the genomic region encompassing exon(s) 24-35 of the USH2A gene. This variant would be expected to be in-frame, preserving the integrity of the reading frame.